The following is an entry in ClinVar:

ClinVar aggregate classification (germline): Likely benign (1 of 4 stars; one submission).

Conditions:
Lynch syndrome. Identifiers: Orphanet 144, MedGen C4552100, MONDO:0005835. Disease mechanism: loss of function.

Submission:

University of Washington Department of Laboratory Medicine, University of Washington
Classification: Likely benign for Lynch syndrome. Last evaluated: 2018-05-17. Review status: criteria provided, single submitter. Criteria: Tsai GJ et al. (Genet Med 2018). Collection method: research. Allele origin: germline. Inheritance: Autosomal dominant inheritance. Affected: no.
Comment: The variant known as the EPCAM exon 1 duplication was previously classified as a variant of uncertain significance is now classified as likely benign. Family cosegregation analysis was performed on one observed family using an online resource (RaÃ±ola et al, 2018, PMID:28965303) and shows a likelihood ratio of 0.14 to 1 that this allele explains Lynch syndrome cancers in the family (Thompson et al., 2003. PMID:290079). Computational predictions also suggest the EPCAM exon 1 duplication is benign. Together, this information is not consistent with a pathogenic mutation in EPCAM. Bayesian analysis integrating all of this data (Tavtigian et al, 2018, PMID:29300386) gives less than 1% probability of pathogenicity, which is consistent with a classification of likely benign. This variant is not predicted to alter EPCAM function or modify risk for Lynch syndrome. This analysis was performed in conjunction with the family studies project as part of the University of Washington Find My Variant Study.

NC_000002.12:g.47142010_47142443dup

Genes: STPG4 (sperm-tail PG-rich repeat containing 4; minus strand), EPCAM (epithelial cell adhesion molecule; plus strand). Cytogenetic location: 2p21.
Variant type: Duplication.
Identifiers: ClinVar variation 619019 (VCV000619019.4), ClinGen allele CA913189704.